The following is an entry in ClinVar:

NM_000091.5(COL4A3):c.3619G>A (p.Gly1207Arg)

Genes: COL4A3 (collagen type IV alpha 3 chain; plus strand), MFF-DT (MFF divergent transcript; minus strand). Cytogenetic location: 2q36.3.
Variant type: single nucleotide variant.
Coding change: c.3619G>A on transcript NM_000091.5 (MANE Select); coding-DNA position 3619, G replaced by A.
Protein change: p.Gly1207Arg; replaces glycine 1207 with arginine.
Molecular consequence: missense variant.
Genome position (GRCh38, 1-based): chr2:227,297,727, G>A. VCF-style: chr2-227297727-G-A. GRCh37 (hg19) VCF-style: chr2-228162443-G-A.
Other names: short protein forms G1207R.
Identifiers: ClinVar variation 1375749 (VCV001375749.10), dbSNP rs1167411352, ClinGen allele CA350860021.
Genomic context (GRCh38, chr2:227,297,727, plus strand): 5'-TTTGCAGGAGCCAAAGGAGACAGGGGAGCCCCAGGTTTTCCTGGCCTCCCGGGCAGAAAA[G>A]GGGCCATGGGAGATGCTGGACCTCGAGGACCCACAGGCATAGAAGGATTCCCAGGGCCAC-3'
Protein context (NP_000082.2, residues 1197-1217): PGFPGLPGRK[Gly1207Arg]AMGDAGPRGP

ClinVar aggregate classification (germline): Pathogenic. Review status: criteria provided, multiple submitters, no conflicts (2 of 4 stars). 2 submissions from 2 submitters: Pathogenic (2). Last evaluated 2024-05-10.

Conditions:
Autosomal dominant Alport syndrome (ATS3A). Also called: ALPORT SYNDROME 3A, AUTOSOMAL DOMINANT; Alport syndrome dominant type; Renal failure and sensorineural hearing loss. Identifiers: Orphanet 63, Orphanet 88918, MedGen C5882663, MONDO:0007086, OMIM 104200.
Hematuria, benign familial, 2 (BFH2). Identifiers: MedGen C5830421, MONDO:0958186, OMIM 620320.
Alport syndrome 3b, autosomal recessive. Identifiers: MedGen C5882699, MONDO:0957811, OMIM 620536.

Submissions (2):

Fulgent Genetics
Classification: Pathogenic for Autosomal dominant Alport syndrome; Hematuria, benign familial, 2; Alport syndrome 3b, autosomal recessive. Last evaluated: 2024-05-10. Review status: criteria provided, single submitter. Criteria: ACMG Guidelines, 2015. Collection method: clinical testing. Allele origin: germline.

Labcorp Genetics (formerly Invitae), Labcorp
Classification: Pathogenic. Last evaluated: 2021-05-25. Review status: criteria provided, single submitter. Criteria: Invitae Variant Classification Sherloc (09022015). Collection method: clinical testing. Allele origin: germline.
Comment: This variant is not present in population databases (ExAC no frequency). This sequence change replaces glycine with arginine at codon 1207 of the COL4A3 protein (p.Gly1207Arg). The glycine residue is highly conserved and there is a moderate physicochemical difference between glycine and arginine. This variant has been observed in individual(s) with Alport syndrome (PMID: 22887978, Invitae). In summary, the currently available evidence indicates that the variant is pathogenic, but additional data are needed to prove that conclusively. Therefore, this variant has been classified as Likely Pathogenic. This variant disrupts the p.Gly1207 amino acid residue in COL4A3. Other variant(s) that disrupt this residue have been observed in individuals with COL4A3-related conditions (PMID: 11134255), which suggests that this may be a clinically significant amino acid residue. Advanced modeling of protein sequence and biophysical properties (such as structural, functional, and spatial information, amino acid conservation, physicochemical variation, residue mobility, and thermodynamic stability) performed at Invitae indicates that this missense variant is expected to disrupt COL4A3 protein function.

Literature cited by the submitters: PubMed 22887978 (cited by Labcorp Genetics (formerly Invitae), Labcorp); PubMed 11134255 (cited by Labcorp Genetics (formerly Invitae), Labcorp).